The following is an entry in ClinVar:

ClinVar aggregate classification (germline): Benign. Review status: criteria provided, multiple submitters, no conflicts (2 of 4 stars). 2 submissions from 2 submitters: Benign (2). Last evaluated 2018-01-13.

Conditions:
Chondrodysplasia with joint dislocations, gPAPP type. Also called: GPAPP DEFICIENCY. Identifiers: Orphanet 280586, MedGen C3279757, MONDO:0013561, OMIM 614078.

Allele frequency attached by ClinVar (database versions not stated): gnomAD 0.20487 and 0.20898; TOPMed 0.22160; 1000 Genomes Project 0.27057; 1000 Genomes Project 30x 0.27171.

Submissions (2):

Illumina Laboratory Services, Illumina
Classification: Benign for Chondrodysplasia with joint dislocations, gPAPP type. Last evaluated: 2018-01-13. Review status: criteria provided, single submitter. Criteria: ICSL Variant Classification Criteria 13 December 2019. Collection method: clinical testing. Allele origin: germline.
Comment: This variant was observed in the ICSL laboratory as part of a predisposition screen in an ostensibly healthy population. It had not been previously curated by ICSL or reported in the Human Gene Mutation Database (HGMD: prior to June 1st, 2018), and was therefore a candidate for classification through an automated scoring system. Utilizing variant allele frequency, disease prevalence and penetrance estimates, and inheritance mode, an automated score was calculated to assess if this variant is too frequent to cause the disease. Based on the score and internal cut-off values, a variant classified as benign is not then subjected to further curation. The score for this variant resulted in a classification of benign for this disease.

Breakthrough Genomics
Classification: Benign. Review status: criteria provided, single submitter. Criteria: ACMG Guidelines, 2015. Collection method: not provided. Allele origin: germline. Inheritance: Autosomal recessive inheritance. Affected: yes.

NM_017813.5(BPNT2):c.*4430A>G

Gene: BPNT2 (3'(2'), 5'-bisphosphate nucleotidase 2; minus strand). Cytogenetic location: 8q12.1.
Variant type: single nucleotide variant.
Coding change: c.*4430A>G on transcript NM_017813.5 (MANE Select); 4430 bases downstream of the stop codon, A replaced by G.
Molecular consequence: 3 prime UTR variant.
Genome position (GRCh38, 1-based): chr8:56,959,363, T>C on the plus strand (A>G on the coding strand, the complement: BPNT2 is on the minus strand). VCF-style: chr8-56959363-T-C. GRCh37 (hg19) VCF-style: chr8-57871922-T-C.
Identifiers: ClinVar variation 363342 (VCV000363342.6), dbSNP rs1396117, ClinGen allele CA10628006.